The following is an entry in ClinVar:

NM_001035.3(RYR2):c.169-126G>A

Gene: RYR2 (ryanodine receptor 2; plus strand). Cytogenetic location: 1q43.
Variant type: single nucleotide variant.
Coding change: c.169-126G>A on transcript NM_001035.3 (MANE Select); 126 bases into the intron before coding-DNA position 169, G replaced by A.
Molecular consequence: intron variant.
Genome position (GRCh38, 1-based): chr1:237,330,752, G>A. VCF-style: chr1-237330752-G-A. GRCh37 (hg19) VCF-style: chr1-237494052-G-A.
Identifiers: ClinVar variation 675301 (VCV000675301.2), dbSNP rs146712883, ClinGen allele CA40003230.

ClinVar aggregate classification (germline): Likely benign. Review status: criteria provided, multiple submitters, no conflicts (2 of 4 stars). 2 submissions from 2 submitters: Likely benign (2). Last evaluated 2018-06-14.

Allele frequency attached by ClinVar (database versions not stated): 1000 Genomes Project 0.01238; gnomAD 0.01319 and 0.01343; 1000 Genomes Project 30x 0.01359; gnomAD exomes 0.01440; TOPMed 0.01748.
gnomAD v4.1: 10,270 of 725,462 alleles (1.4%); highest among the groups gnomAD compares: Admixed American, 6.8%; 201 homozygotes.

Submissions (2):

GeneDx
Classification: Likely benign. Last evaluated: 2018-06-14. Review status: criteria provided, single submitter. Criteria: GeneDx Variant Classification (06012015). Collection method: clinical testing. Allele origin: germline. Affected: yes.
Comment: This variant is considered likely benign or benign based on one or more of the following criteria: it is a conservative change, it occurs at a poorly conserved position in the protein, it is predicted to be benign by multiple in silico algorithms, and/or has population frequency not consistent with disease.

Breakthrough Genomics
Classification: Likely benign. Review status: criteria provided, single submitter. Criteria: ACMG Guidelines, 2015. Collection method: not provided. Allele origin: germline. Inheritance: Autosomal dominant inheritance. Affected: yes.